The following is an entry in ClinVar:

NM_003098.3(SNTA1):c.1003_1021dup (p.Ala341fs)

Gene: SNTA1 (syntrophin alpha 1; minus strand). Cytogenetic location: 20q11.21.
Variant type: Duplication.
Coding change: c.1003_1021dup on transcript NM_003098.3 (MANE Select); coding-DNA positions 1003 to 1021, 19 bases duplicated (AGCCGGCCAGCCCGTACTG).
Protein change: p.Ala341fs; shifts the reading frame from alanine 341.
Molecular consequence: frameshift variant.
Genome position (GRCh38, 1-based): chr20:33,412,315-33,412,333, CAGTACGGGCTGGCCGGCT duplicated on the plus strand (AGCCGGCCAGCCCGTACTG on the coding strand, the reverse complement: SNTA1 is on the minus strand); duplicating any 19 consecutive bases within chr20:33,412,315-33,412,336 gives the same sequence; the c. name uses the placement nearest the transcript's 3' end. VCF-style (leftmost placement, unchanged base first): chr20-33412314-G-GCAGTACGGGCTGGCCGGCT. GRCh37 (hg19) VCF-style: chr20-32000120-G-GCAGTACGGGCTGGCCGGCT.
Other names: c.1003_1021dupAGCCGGCCAGCCCGTACTG (NM_003098.2); c.1003_1021dup (NM_003098.2); short protein forms A341fs.
Identifiers: ClinVar variation 1038413 (VCV001038413.10), dbSNP rs775891730, ClinGen allele CA9817075.
Genomic context (GRCh38, chr20:33,412,314, plus strand): 5'-GGCAAGTTCTGGGGGAGACATACTGCCCCTGCCTGTGGGTACCTGGTGGCGATGAGTGGG[G>GCAGTACGGGCTGGCCGGCT]CAGTACGGGCTGGCCGGCTCAGGGCCTCGCGGGTCTCGGGGAGAGACAAGTAGAGGAGCA-3'

ClinVar aggregate classification (germline): Uncertain significance. Review status: criteria provided, multiple submitters, no conflicts (2 of 4 stars). 5 submissions from 5 submitters: Uncertain significance (5). Last evaluated 2026-01-13.

Conditions:
Cardiovascular phenotype. Identifiers: MedGen CN230736.
Long QT syndrome (LQTS). Identifiers: MedGen C0023976, MeSH D008133, MONDO:0002442. Disease mechanism: loss of function. Inheritance: Various modes of inheritance.
Long QT syndrome 12 (LQT12). Identifiers: Orphanet 101016, Orphanet 768, MedGen C2751830, MONDO:0013062, OMIM 612955.

Submissions (5):

Labcorp Genetics (formerly Invitae), Labcorp
Classification: Uncertain significance for Long QT syndrome. Last evaluated: 2026-01-13. Review status: criteria provided, single submitter. Criteria: Invitae Variant Classification Sherloc (09022015). Collection method: clinical testing. Allele origin: germline.
Comment: This sequence change creates a premature translational stop signal (p.Ala341Glufs*103) in the SNTA1 gene. It is expected to result in an absent or disrupted protein product. However, the current clinical and genetic evidence is not sufficient to establish whether loss-of-function variants in SNTA1 cause disease. This variant is present in population databases (rs775891730, gnomAD 0.002%). This variant has not been reported in the literature in individuals affected with SNTA1-related conditions. ClinVar contains an entry for this variant (Variation ID: 1038413). In summary, the available evidence is currently insufficient to determine the role of this variant in disease. Therefore, it has been classified as a Variant of Uncertain Significance.

GeneDx
Classification: Uncertain significance. Last evaluated: 2024-04-26. Review status: criteria provided, single submitter. Criteria: GeneDx Variant Classification Process June 2021. Collection method: clinical testing. Allele origin: germline. Affected: yes.
Comment: Frameshift variant predicted to result in protein truncation or nonsense mediated decay in a gene or region of a gene for which loss of function is not a well-established mechanism of disease; Not observed at significant frequency in large population cohorts (gnomAD); Has not been previously published as pathogenic or benign to our knowledge

Ambry Genetics
Classification: Uncertain significance for Cardiovascular phenotype. Last evaluated: 2023-11-17. Review status: criteria provided, single submitter. Criteria: Ambry Variant Classification Scheme 2023. Collection method: clinical testing. Allele origin: germline.
Comment: The c.1003_1021dup19 variant, located in coding exon 5 of the SNTA1 gene, results from a duplication of AGCCGGCCAGCCCGTACTG at nucleotide position 1003, causing a translational frameshift with a predicted alternate stop codon (p.A341Efs*103). This alteration is expected to result in loss of function by premature protein truncation or nonsense-mediated mRNA decay. However, the evidence for this gene-disease relationship is limited; therefore, the clinical significance of this alteration is unclear.

AiLife Diagnostics
Classification: Uncertain significance. Last evaluated: 2021-12-14. Review status: criteria provided, single submitter. Criteria: ACMG Guidelines, 2015. Collection method: clinical testing. Allele origin: germline. Affected: yes. Observed: 1 variant allele.

Fulgent Genetics
Classification: Uncertain significance for Long QT syndrome 12. Last evaluated: 2021-10-01. Review status: criteria provided, single submitter. Criteria: ACMG Guidelines, 2015. Collection method: clinical testing. Allele origin: unknown.